The following is an entry in ClinVar:

NM_144643.4(SCLT1):c.84del (p.Lys29fs)

Gene: SCLT1 (sodium channel and clathrin linker 1; minus strand). Cytogenetic location: 4q28.2.
Variant type: Deletion.
Coding change: c.84del on transcript NM_144643.4 (MANE Select); coding-DNA position 84, one base deleted (C; older notation c.84delC).
Protein change: p.Lys29fs; shifts the reading frame from lysine 29.
Molecular consequence: frameshift variant.
Genome position (GRCh38, 1-based): chr4:129,082,324, G deleted on the plus strand (C on the coding strand, the reverse complement: SCLT1 is on the minus strand); the first of 2 consecutive G bases (chr4:129,082,324-129,082,325); deleting either gives the same sequence. VCF-style (leftmost placement, unchanged base first): chr4-129082323-TG-T. GRCh37 (hg19) VCF-style: chr4-130003478-TG-T.
Other names: c.84del, p.Lys29fs (NM_001300897.2, NM_001300898.2, NM_001410807.1); short protein forms K29fs.
Identifiers: ClinVar variation 4994797 (VCV004994797.1).

ClinVar aggregate classification (germline): Likely pathogenic (1 of 4 stars; one submission).

Conditions:
SCLT1-related disorder. Also called: SCLT1-related condition.

Submission:

PreventionGenetics, part of Exact Sciences
Classification: Likely pathogenic for SCLT1-related condition. Last evaluated: 2025-09-11. Review status: criteria provided, single submitter. Criteria: ACMG Guidelines, 2015. Collection method: clinical testing. Allele origin: germline.
Comment: The SCLT1 c.84delC variant is predicted to result in a frameshift and premature protein termination (p.Lys29Asnfs*21). To our knowledge, this variant has not been reported in the literature or in a large population database (gnomAD), indicating this variant is rare. Frameshift variants in SCLT1 are expected to be pathogenic. This variant is interpreted as likely pathogenic.